The following is an entry in ClinVar:

ClinVar aggregate classification (germline): Uncertain significance. Review status: criteria provided, multiple submitters, no conflicts (2 of 4 stars). 3 submissions from 3 submitters: Uncertain significance (3). Last evaluated 2024-12-06.

Conditions:
Cardiovascular phenotype. Identifiers: MedGen CN230736.
Cardiomyopathy (CMYO). Also called: Cardiomyopathies. Identifiers: Orphanet 167848, MedGen C0878544, MONDO:0004994, HP:0001638. Inheritance: Various modes of inheritance.
Hypertrophic cardiomyopathy 10. Also called: MYL2-Related Familial Hypertrophic Cardiomyopathy; CARDIOMYOPATHY, HYPERTROPHIC, MID-LEFT VENTRICULAR CHAMBER TYPE, 2. Identifiers: MedGen C1834460, MONDO:0012112, OMIM 608758.

Allele frequency attached by ClinVar (database versions not stated): gnomAD exomes below 0.00001.
gnomAD v4.1: 2 of 1,614,048 alleles (0.00012%); highest among the groups gnomAD compares: Non-Finnish European, 0.00017%; no homozygotes.

Submissions (3):

Ambry Genetics
Classification: Uncertain significance for Cardiovascular phenotype. Last evaluated: 2024-12-06. Review status: criteria provided, single submitter. Criteria: Ambry Variant Classification Scheme 2023. Collection method: clinical testing. Allele origin: germline.
Comment: The p.M69I variant (also known as c.207G>T), located in coding exon 4 of the MYL2 gene, results from a G to T substitution at nucleotide position 207. The methionine at codon 69 is replaced by isoleucine, an amino acid with highly similar properties. This variant was reported in individuals in hypertrophic cardiomyopathy (HCM) cohorts, but clinical details were limited (Bos JM et al. Mayo Clin Proc, 2014 Jun;89:727-37; Wang J et al. Eur J Heart Fail, 2014 Sep;16:950-7). This amino acid position is highly conserved in available vertebrate species. In addition, the in silico prediction for this alteration is inconclusive. Based on the available evidence, the clinical significance of this variant remains unclear.

Labcorp Genetics (formerly Invitae), Labcorp
Classification: Uncertain significance for Hypertrophic cardiomyopathy 10. Last evaluated: 2024-07-24. Review status: criteria provided, single submitter. Criteria: Invitae Variant Classification Sherloc (09022015). Collection method: clinical testing. Allele origin: germline.
Comment: This sequence change replaces methionine, which is neutral and non-polar, with isoleucine, which is neutral and non-polar, at codon 69 of the MYL2 protein (p.Met69Ile). This variant is not present in population databases (gnomAD no frequency). This missense change has been observed in individual(s) with hypertrophic cardiomyopathy (PMID: 25132132, 28822653, 37652022). ClinVar contains an entry for this variant (Variation ID: 464141). An algorithm developed to predict the effect of missense changes on protein structure and function (PolyPhen-2) suggests that this variant is likely to be tolerated. In summary, the available evidence is currently insufficient to determine the role of this variant in disease. Therefore, it has been classified as a Variant of Uncertain Significance.

Color Diagnostics, LLC DBA Color Health
Classification: Uncertain significance for Cardiomyopathy. Last evaluated: 2023-12-08. Review status: criteria provided, single submitter. Criteria: ACMG Guidelines, 2015. Collection method: clinical testing. Allele origin: germline.
Comment: This missense variant replaces methionine with isoleucine at codon 69 of the MYL2 protein. Computational prediction tools indicate that this variant has a deleterious impact on protein structure and function. To our knowledge, functional studies have not been reported for this variant. This variant has been reported in two individuals affected with hypertrophic cardiomyopathy (PMID: 24793961, 25132132). This variant has not been identified in the general population by the Genome Aggregation Database (gnomAD). The available evidence is insufficient to determine the role of this variant in disease conclusively. Therefore, this variant is classified as a Variant of Uncertain Significance.

Literature cited by the submitters: PubMed 24793961 (cited by Ambry Genetics and Color Diagnostics, LLC DBA Color Health); PubMed 25132132 (cited by 3 submitters); PubMed 28822653 (cited by Ambry Genetics and Labcorp Genetics (formerly Invitae), Labcorp); PubMed 37652022 (cited by Labcorp Genetics (formerly Invitae), Labcorp).

NM_000432.4(MYL2):c.207G>T (p.Met69Ile)

Gene: MYL2 (myosin light chain 2; minus strand). Cytogenetic location: 12q24.11.
Variant type: single nucleotide variant.
Coding change: c.207G>T on transcript NM_000432.4 (MANE Select); coding-DNA position 207, G replaced by T.
Protein change: p.Met69Ile; replaces methionine 69 with isoleucine.
Molecular consequence: missense variant.
Genome position (GRCh38, 1-based): chr12:110,914,253, C>A on the plus strand (G>T on the coding strand, the complement: MYL2 is on the minus strand). VCF-style: chr12-110914253-C-A. GRCh37 (hg19) VCF-style: chr12-111352057-C-A.
Other names: short protein forms M69I.
Identifiers: ClinVar variation 464141 (VCV000464141.10), dbSNP rs866041854, ClinGen allele CA386698784.